The following is an entry in ClinVar:

NM_006618.5(KDM5B):c.746C>T (p.Thr249Met)

Gene: KDM5B (lysine demethylase 5B; minus strand). Cytogenetic location: 1q32.1.
Variant type: single nucleotide variant.
Coding change: c.746C>T on transcript NM_006618.5 (MANE Select); coding-DNA position 746, C replaced by T.
Protein change: p.Thr249Met; replaces threonine 249 with methionine.
Molecular consequence: missense variant.
Genome position (GRCh38, 1-based): chr1:202,764,111, G>A on the plus strand (C>T on the coding strand, the complement: KDM5B is on the minus strand). VCF-style: chr1-202764111-G-A. GRCh37 (hg19) VCF-style: chr1-202733239-G-A.
Other names: c.854C>T, p.Thr285Met (NM_001314042.2); c.611C>T, p.Thr204Met (NM_001347591.2); c.731C>T, p.Thr244Met (NM_001399817.1); short protein forms T244M, T285M, T249M, T204M.
Identifiers: ClinVar variation 4622798 (VCV004622798.1).
Genomic context (GRCh38, chr1:202,764,111, plus strand): 5'-TTTTCACATTTTGGAGTTGGACAACCCATTCGACGTCTCAGATTATGAGTTCTGGCTTCC[G>A]TTGTCTCCTCGGGTTCTATTTTAATATTCATGGCCTTAAAAAAATTGTCATATACATGAA-3'
Protein context (NP_006609.3, residues 239-259): MNIKIEPEET[Thr249Met]EARTHNLRRR

ClinVar aggregate classification (germline): Uncertain significance (1 of 4 stars; one submission).

Conditions:
Inborn genetic diseases. Identifiers: MedGen C0950123, MeSH D030342.

gnomAD v4.1: 78 of 1,574,448 alleles (0.005%); highest among the groups gnomAD compares: Non-Finnish European, 0.0065%; no homozygotes.

Submission:

Ambry Genetics
Classification: Uncertain significance for Inborn genetic diseases. Last evaluated: 2025-11-02. Review status: criteria provided, single submitter. Criteria: Ambry Variant Classification Scheme 2023. Collection method: clinical testing. Allele origin: germline.
Comment: The c.746C>T (p.T249M) alteration is located in exon 6 (coding exon 6) of the KDM5B gene. This alteration results from a C to T substitution at nucleotide position 746, causing the threonine (T) at amino acid position 249 to be replaced by a methionine (M). Based on data from gnomAD, the T allele has an overall frequency of 0.001% (3/225570) total alleles studied. The highest observed frequency was 0.003% (3/106130) of European (non-Finnish) alleles. Based on insufficient or conflicting evidence, the clinical significance of this alteration remains unclear.